The following is an entry in ClinVar:

NM_001148.6(ANK2):c.2961T>A (p.Asn987Lys)

Gene: ANK2 (ankyrin 2; plus strand). Cytogenetic location: 4q26.
Variant type: single nucleotide variant.
Coding change: c.2961T>A on transcript NM_001148.6 (MANE Select); coding-DNA position 2961, T replaced by A.
Protein change: p.Asn987Lys; replaces asparagine 987 with lysine.
Molecular consequence: missense variant.
Genome position (GRCh38, 1-based): chr4:113,330,306, T>A. VCF-style: chr4-113330306-T-A. GRCh37 (hg19) VCF-style: chr4-114251462-T-A.
Other names: c.2934T>A, p.Asn978Lys (NM_001127493.3); c.2973T>A, p.Asn991Lys (NM_001354225.2); c.2961T>A, p.Asn987Lys (NM_001354228.2, NM_001354258.2, NM_020977.5); c.3039T>A, p.Asn1013Lys (NM_001354230.2, NM_001354237.2); c.3003T>A, p.Asn1001Lys (NM_001354231.2, NM_001354242.2); c.2997T>A, p.Asn999Lys (NM_001354232.2); c.2958T>A, p.Asn986Lys (NM_001354235.2, NM_001354236.2, NM_001354246.2 and 1 more transcripts); c.2931T>A, p.Asn977Lys (NM_001354239.2, NM_001354252.2, NM_001354272.2); and 23 more; short protein forms N1001K, N859K, N945K, N970K, N975K, N977K, N982K, N987K.
Identifiers: ClinVar variation 4051153 (VCV004051153.1).

ClinVar aggregate classification (germline): Uncertain significance (1 of 4 stars; one submission).

Conditions:
Cardiovascular phenotype. Identifiers: MedGen CN230736.

Submission:

Ambry Genetics
Classification: Uncertain significance for Cardiovascular phenotype. Last evaluated: 2025-05-14. Review status: criteria provided, single submitter. Criteria: Ambry Variant Classification Scheme 2023. Collection method: clinical testing. Allele origin: germline.
Comment: The p.N987K variant (also known as c.2961T>A), located in coding exon 27 of the ANK2 gene, results from a T to A substitution at nucleotide position 2961. The asparagine at codon 987 is replaced by lysine, an amino acid with similar properties. This amino acid position is conserved. In addition, this alteration is predicted to be tolerated by in silico analysis. Based on the available evidence, the clinical significance of this variant remains unclear.